The following is an entry in ClinVar:

NM_014263.4(YME1L1):c.919T>C (p.Phe307Leu)

Gene: YME1L1 (YME1 like 1 ATPase; minus strand). Cytogenetic location: 10p12.1.
Variant type: single nucleotide variant.
Coding change: c.919T>C on transcript NM_014263.4 (MANE Select); coding-DNA position 919, T replaced by C.
Protein change: p.Phe307Leu; replaces phenylalanine 307 with leucine.
Molecular consequence: missense variant.
Genome position (GRCh38, 1-based): chr10:27,126,726, A>G on the plus strand (T>C on the coding strand, the complement: YME1L1 is on the minus strand). VCF-style: chr10-27126726-A-G. GRCh37 (hg19) VCF-style: chr10-27415655-A-G.
Other names: c.820T>C, p.Phe274Leu (NM_001253866.2); c.1090T>C, p.Phe364Leu (NM_139312.3); short protein forms F364L, F274L, F307L.
Identifiers: ClinVar variation 4718760 (VCV004718760.1).

ClinVar aggregate classification (germline): Uncertain significance (1 of 4 stars; one submission).

gnomAD v4.1: 3 of 1,584,062 alleles (0.00019%); highest among the groups gnomAD compares: Non-Finnish European, 0.00026%; no homozygotes.

Submission:

Labcorp Genetics (formerly Invitae), Labcorp
Classification: Uncertain significance. Last evaluated: 2025-09-08. Review status: criteria provided, single submitter. Criteria: Invitae Variant Classification Sherloc (09022015). Collection method: clinical testing. Allele origin: germline.
Comment: This sequence change replaces phenylalanine, which is neutral and non-polar, with leucine, which is neutral and non-polar, at codon 364 of the YME1L1 protein (p.Phe364Leu). This variant is not present in population databases (gnomAD no frequency). This variant has not been reported in the literature in individuals affected with YME1L1-related conditions. An algorithm developed to predict the effect of missense changes on protein structure and function (PolyPhen-2) suggests that this variant is likely to be tolerated. In summary, the available evidence is currently insufficient to determine the role of this variant in disease. Therefore, it has been classified as a Variant of Uncertain Significance.